The following is an entry in ClinVar:

ClinVar aggregate classification (germline): Uncertain significance. Review status: criteria provided, multiple submitters, no conflicts (2 of 4 stars). 2 submissions from 2 submitters: Uncertain significance (2). Last evaluated 2025-08-04.

Conditions:
Primary dilated cardiomyopathy (DCM). Also called: Dilated Cardiomyopathy. Identifiers: Orphanet 217604, MedGen C0007193, MeSH D002311, MONDO:0005021, HP:0001644. Inheritance: Various modes of inheritance.

Allele frequency attached by ClinVar (database versions not stated): ExAC 0.00002; gnomAD 0.00001; gnomAD exomes 0.00001; TOPMed 0.00001.
gnomAD v4.1: 10 of 1,613,930 alleles (0.00062%); highest among the groups gnomAD compares: Admixed American, 0.015%; no homozygotes.

Submissions (2):

Ambry Genetics
Classification: Uncertain significance. Last evaluated: 2025-08-04. Review status: criteria provided, single submitter. Criteria: Ambry Variant Classification Scheme 2023. Collection method: clinical testing. Allele origin: germline.

Labcorp Genetics (formerly Invitae), Labcorp
Classification: Uncertain significance for Primary dilated cardiomyopathy. Last evaluated: 2025-03-26. Review status: criteria provided, single submitter. Criteria: Invitae Variant Classification Sherloc (09022015). Collection method: clinical testing. Allele origin: germline.
Comment: This sequence change replaces aspartic acid, which is acidic and polar, with glycine, which is neutral and non-polar, at codon 989 of the NEBL protein (p.Asp989Gly). This variant is present in population databases (rs771530665, gnomAD 0.03%). This variant has not been reported in the literature in individuals affected with NEBL-related conditions. ClinVar contains an entry for this variant (Variation ID: 1798215). An algorithm developed to predict the effect of missense changes on protein structure and function (PolyPhen-2) suggests that this variant is likely to be disruptive. In summary, the available evidence is currently insufficient to determine the role of this variant in disease. Therefore, it has been classified as a Variant of Uncertain Significance.

NM_006393.3(NEBL):c.2966A>G (p.Asp989Gly)

Gene: NEBL (nebulette; minus strand). Cytogenetic location: 10p12.31.
Variant type: single nucleotide variant.
Coding change: c.2966A>G on transcript NM_006393.3 (MANE Select); coding-DNA position 2966, A replaced by G.
Protein change: p.Asp989Gly; replaces aspartic acid 989 with glycine.
Molecular consequence: missense variant. On other transcripts: 3 prime UTR variant (1).
Genome position (GRCh38, 1-based): chr10:20,785,826, T>C on the plus strand (A>G on the coding strand, the complement: NEBL is on the minus strand). VCF-style: chr10-20785826-T-C. GRCh37 (hg19) VCF-style: chr10-21074755-T-C.
Other names: c.*57A>G (NM_001173484.2); c.827A>G, p.Asp276Gly (NM_001377322.1); c.686A>G, p.Asp229Gly (NM_001377323.1); c.677A>G, p.Asp226Gly (NM_001377324.1); c.668A>G, p.Asp223Gly (NM_001377325.1); c.626A>G, p.Asp209Gly (NM_001377326.1, NM_001377327.1, NM_001377328.1); c.734A>G, p.Asp245Gly (NM_213569.2); short protein forms D223G, D245G, D226G, D989G, D209G, D229G, D276G.
Identifiers: ClinVar variation 1798215 (VCV001798215.7), dbSNP rs771530665, ClinGen allele CA5432260.